The following is an entry in ClinVar:

ClinVar aggregate classification (germline): Uncertain significance. Review status: criteria provided, multiple submitters, no conflicts (2 of 4 stars). 2 submissions from 2 submitters: Uncertain significance (2). Last evaluated 2024-08-21.

Conditions:
DICER1-related tumor predisposition. Also called: DICER1-related pleuropulmonary blastoma cancer predisposition syndrome; DICER1 syndrome. Identifiers: Orphanet 284343, MedGen C3839822, MONDO:0100216.
Hereditary cancer-predisposing syndrome. Also called: Hereditary Cancer Syndrome; Neoplastic Syndromes, Hereditary; Hereditary neoplastic syndrome; Tumor predisposition. Identifiers: Orphanet 140162, MedGen C0027672, MeSH D009386, MONDO:0015356.

Submissions (2):

Labcorp Genetics (formerly Invitae), Labcorp
Classification: Uncertain significance for DICER1-related tumor predisposition. Last evaluated: 2024-08-21. Review status: criteria provided, single submitter. Criteria: Invitae Variant Classification Sherloc (09022015). Collection method: clinical testing. Allele origin: germline.
Comment: This sequence change replaces alanine, which is neutral and non-polar, with threonine, which is neutral and polar, at codon 322 of the DICER1 protein (p.Ala322Thr). This variant is not present in population databases (gnomAD no frequency). This variant has not been reported in the literature in individuals affected with DICER1-related conditions. ClinVar contains an entry for this variant (Variation ID: 823379). Invitae Evidence Modeling of protein sequence and biophysical properties (such as structural, functional, and spatial information, amino acid conservation, physicochemical variation, residue mobility, and thermodynamic stability) indicates that this missense variant is not expected to disrupt DICER1 protein function with a negative predictive value of 80%. In summary, the available evidence is currently insufficient to determine the role of this variant in disease. Therefore, it has been classified as a Variant of Uncertain Significance.

Ambry Genetics
Classification: Uncertain significance for Hereditary cancer-predisposing syndrome. Last evaluated: 2018-10-11. Review status: criteria provided, single submitter. Criteria: Ambry Variant Classification Scheme 2023. Collection method: clinical testing. Allele origin: germline.
Comment: The p.A322T variant (also known as c.964G>A), located in coding exon 7 of the DICER1 gene, results from a G to A substitution at nucleotide position 964. The alanine at codon 322 is replaced by threonine, an amino acid with similar properties. This amino acid position is highly conserved in available vertebrate species. In addition, the in silico prediction for this alteration is inconclusive. Since supporting evidence is limited at this time, the clinical significance of this alteration remains unclear.

NM_177438.3(DICER1):c.964G>A (p.Ala322Thr)

Gene: DICER1 (dicer 1, ribonuclease III; minus strand). Cytogenetic location: 14q32.13.
Variant type: single nucleotide variant.
Coding change: c.964G>A on transcript NM_177438.3 (MANE Select); coding-DNA position 964, G replaced by A.
Protein change: p.Ala322Thr; replaces alanine 322 with threonine.
Molecular consequence: missense variant.
Genome position (GRCh38, 1-based): chr14:95,124,608, C>T on the plus strand (G>A on the coding strand, the complement: DICER1 is on the minus strand). VCF-style: chr14-95124608-C-T. GRCh37 (hg19) VCF-style: chr14-95590945-C-T.
Other names: c.964G>A, p.Ala322Thr (NM_001195573.1, NM_001271282.3, NM_001291628.2 and 1 more transcripts); short protein forms A322T.
Identifiers: ClinVar variation 823379 (VCV000823379.6), dbSNP rs1595440336, ClinGen allele CA390887278.